The following is an entry in ClinVar:

ClinVar aggregate classification (germline): Uncertain significance. Review status: criteria provided, multiple submitters, no conflicts (2 of 4 stars). 2 submissions from 2 submitters: Uncertain significance (2). Last evaluated 2024-04-09.

Conditions:
Long QT syndrome (LQTS). Identifiers: MedGen C0023976, MeSH D008133, MONDO:0002442. Disease mechanism: loss of function. Inheritance: Various modes of inheritance.

Submissions (2):

Labcorp Genetics (formerly Invitae), Labcorp
Classification: Uncertain significance for Long QT syndrome. Last evaluated: 2024-04-09. Review status: criteria provided, single submitter. Criteria: Invitae Variant Classification Sherloc (09022015). Collection method: clinical testing. Allele origin: germline.
Comment: This sequence change replaces serine, which is neutral and polar, with phenylalanine, which is neutral and non-polar, at codon 457 of the KCNQ1 protein (p.Ser457Phe). This variant is not present in population databases (gnomAD no frequency). This variant has not been reported in the literature in individuals affected with KCNQ1-related conditions. ClinVar contains an entry for this variant (Variation ID: 1190302). Advanced modeling of protein sequence and biophysical properties (such as structural, functional, and spatial information, amino acid conservation, physicochemical variation, residue mobility, and thermodynamic stability) has been performed at Invitae for this missense variant, however the output from this modeling did not meet the statistical confidence thresholds required to predict the impact of this variant on KCNQ1 protein function. In summary, the available evidence is currently insufficient to determine the role of this variant in disease. Therefore, it has been classified as a Variant of Uncertain Significance.

GeneDx
Classification: Uncertain significance. Last evaluated: 2020-11-25. Review status: criteria provided, single submitter. Criteria: GeneDx Variant Classification Process June 2021. Collection method: clinical testing. Allele origin: germline. Affected: yes.
Comment: Not observed in large population cohorts (Lek et al., 2016); In silico analysis supports that this missense variant does not alter protein structure/function; Has not been previously published as pathogenic or benign to our knowledge

NM_000218.3(KCNQ1):c.1370C>T (p.Ser457Phe)

Gene: KCNQ1 (potassium voltage-gated channel subfamily Q member 1; plus strand). Cytogenetic location: 11p15.5.
Variant type: single nucleotide variant.
Coding change: c.1370C>T on transcript NM_000218.3 (MANE Select); coding-DNA position 1370, C replaced by T.
Protein change: p.Ser457Phe; replaces serine 457 with phenylalanine.
Molecular consequence: missense variant.
Genome position (GRCh38, 1-based): chr11:2,588,831, C>T. VCF-style: chr11-2588831-C-T. GRCh37 (hg19) VCF-style: chr11-2610061-C-T.
Other names: c.1274C>T, p.Ser425Phe (NM_001406836.1); c.1100C>T, p.Ser367Phe (NM_001406837.1); c.830C>T, p.Ser277Phe (NM_001406838.1); c.989C>T, p.Ser330Phe (NM_181798.2); short protein forms S330F, S457F, S277F, S425F, S367F.
Identifiers: ClinVar variation 1190302 (VCV001190302.6), dbSNP rs2133760853, ClinGen allele CA379135145.